The following is an entry in ClinVar:

NM_001034853.2(RPGR):c.3039_3040del (p.Glu1014fs)

Gene: RPGR (retinitis pigmentosa GTPase regulator; minus strand). Cytogenetic location: Xp11.4.
Variant type: Deletion.
Coding change: c.3039_3040del on transcript NM_001034853.2 (MANE Select); coding-DNA positions 3039 to 3040, 2 bases deleted (GG; older notation c.3039_3040delGG).
Protein change: p.Glu1014fs; shifts the reading frame from glutamic acid 1014.
Molecular consequence: frameshift variant. On other transcripts: intron variant (8).
Genome position (GRCh38, 1-based): chrX:38,285,959-38,285,960, CC deleted on the plus strand (GG on the coding strand, the reverse complement: RPGR is on the minus strand); deleting any 2 consecutive bases within chrX:38,285,959-38,285,962 gives the same sequence; the c. name uses the placement nearest the transcript's 3' end. VCF-style (leftmost placement, unchanged base first): chrX-38285958-TCC-T. GRCh37 (hg19) VCF-style: chrX-38145211-TCC-T.
Other names: NM_001034853.2(RPGR):c.3039_3040del; p.Glu1014fs; c.1569+4999_1569+5000del (NM_001367249.1, NM_001367250.1); c.1902+1134_1902+1135del (NM_001367245.1); c.1386+4999_1386+5000del (NM_001367251.1); c.1719+1134_1719+1135del (NM_001367246.1); c.1572+4999_1572+5000del (NM_001367247.1); c.1905+1134_1905+1135del (NM_000328.3); and 1 more; short protein forms E1014fs.
Identifiers: ClinVar variation 866408 (VCV000866408.12), dbSNP rs2067127718, ClinGen allele CA916083878.
Genomic context (GRCh38, chrX:38,285,958, plus strand): 5'-CCTTCCCCCTCTCCTTCCTCCCCTTCCACCTCCCCTTCCACTTCCCCTTCCTCTTCTTCC[TCC>T]CCTTCTCCCTCCCCTTCTTCCTCTCCCTCTCCTTCTTCCTCCCCTTCTTCTTCCCCTTCC-3'

ClinVar aggregate classification (germline): Pathogenic. Review status: reviewed by expert panel (3 of 4 stars). 6 submissions from 5 submitters: Pathogenic (1). 5 of the submissions do not count toward it. Last evaluated 2025-09-07.

Conditions:
Retinitis pigmentosa 3. Also called: CHOROIDORETINAL DEGENERATION WITH RETINAL REFLEX IN HETEROZYGOUS WOMEN. Identifiers: Orphanet 791, MedGen C1845667, MONDO:0010227, OMIM 300029.
RPGR-related retinopathy. Also called: RPGR retinopathy. Identifiers: MedGen CN305589, MONDO:0100437.
Retinal dystrophy. Also called: Inherited retinal dystrophy. Identifiers: Orphanet 71862, MedGen C0854723, MeSH D058499, MONDO:0019118, HP:0000556.
Primary ciliary dyskinesia. Also called: Ciliary dyskinesia. Identifiers: Orphanet 244, MedGen C0008780, MONDO:0016575, HP:0012265.

Submissions (6):

ClinGen X-linked Inherited Retinal Disease Variant Curation Expert Panel, ClinGen
Classification: Pathogenic for RPGR-related retinopathy. Last evaluated: 2025-09-07. Review status: reviewed by expert panel. Criteria: ClinGen X LinkedIRD ACMG Specifications RPGR V1.0.0. Collection method: curation. Allele origin: germline. Inheritance: X-linked inheritance.
Comment: NM_001034853.2(RPGR):c.3039_3040del (p.Glu1014GlyfsTer?) is a frameshift variant due to a 2-nucleotide deletion introducing a premature stop codon within exon 15 of 15, which is predicted to disrupt a critical C-terminal region required for proper glutamylation of RPGR (PVS1, PMID: 36445968). This variant is absent from gnomAD v4.1.0 (PM2_Supporting). This variant has been reported in at least 4 apparently unrelated probands meeting one of the PS4 requirements of some functional vision impairment in affected males by age 30 years, and/or decreased or absent electroretinogram responses (PMID: 23681342, PMID: 29528978, PMID: 35806195, PMID: 36445968, PS4_Moderate). In summary, this variant is classified as pathogenic for RPGR-related retinopathy based on the ClinGen X-linked Inherited Retinal Disease Expert Panel Specifications to the ACMG/AMP Variant Interpretation Guidelines for RPGR Version 1.0.0; PVS1, PM2_Supporting, and PS4_Moderate.

Labcorp Genetics (formerly Invitae), Labcorp
Classification: Pathogenic for Primary ciliary dyskinesia. Last evaluated: 2024-01-04. Review status: criteria provided, single submitter. Criteria: Invitae Variant Classification Sherloc (09022015). Collection method: clinical testing. Allele origin: germline. Not counted in ClinVar's aggregate classification.
Comment: This sequence change creates a premature translational stop signal (p.Glu1014Glyfs*64) in the RPGR (ORF15) gene. While this is not anticipated to result in nonsense mediated decay, it is expected to disrupt the last 139 amino acid(s) of the RPGR (ORF15) protein. This variant is not present in population databases (gnomAD no frequency). This premature translational stop signal has been observed in individuals with retinal dystrophy (PMID: 23681342, 29528978, 32702353). ClinVar contains an entry for this variant (Variation ID: 866408). This variant disrupts a region of the RPGR (ORF15) protein in which other variant(s) (p.Leu1130Lysfs*13) have been determined to be pathogenic (PMID: 22264887; Invitae). This suggests that this is a clinically significant region of the protein, and that variants that disrupt it are likely to be disease-causing. For these reasons, this variant has been classified as Pathogenic.

Blueprint Genetics
Classification: Pathogenic for Retinal dystrophy. Last evaluated: 2019-07-29. Review status: criteria provided, single submitter. Criteria: Blueprint Genetics Variant Classification Scheme. Collection method: clinical testing. Allele origin: germline. Affected: yes. Not counted in ClinVar's aggregate classification.

PreventionGenetics, part of Exact Sciences
Classification: Pathogenic. Last evaluated: 2018-12-12. Review status: criteria provided, single submitter. Criteria: ACMG Guidelines, 2015. Collection method: clinical testing. Allele origin: germline. Not counted in ClinVar's aggregate classification.

Institute of Human Genetics, Univ. Regensburg, Univ. Regensburg
Classification: Pathogenic for Retinal dystrophy. Last evaluated: 2011-01-01. Review status: criteria provided, single submitter. Criteria: ACMG Guidelines, 2015. Collection method: clinical testing. Allele origin: germline. Affected: yes. Not counted in ClinVar's aggregate classification.

Blueprint Genetics
Classification: Pathogenic for Retinitis pigmentosa 3. Review status: no assertion criteria provided. Collection method: clinical testing. Allele origin: germline. Affected: yes. Not counted in ClinVar's aggregate classification.

Literature cited by the submitters: PubMed 23681342 (cited by Labcorp Genetics (formerly Invitae), Labcorp and Institute of Human Genetics, Univ. Regensburg, Univ. Regensburg); PubMed 29528978 (cited by Labcorp Genetics (formerly Invitae), Labcorp); PubMed 32702353 (cited by Labcorp Genetics (formerly Invitae), Labcorp); PubMed 22264887 (cited by Labcorp Genetics (formerly Invitae), Labcorp); PubMed 35806195 (cited by Institute of Human Genetics, Univ. Regensburg, Univ. Regensburg); PubMed 34985506 (cited by Institute of Human Genetics, Univ. Regensburg, Univ. Regensburg).